The following is an entry in ClinVar:

ClinVar aggregate classification (germline): Uncertain significance (1 of 4 stars; one submission).

Conditions:
Immunodeficiency, common variable, 7. Identifiers: Orphanet 1572, Orphanet 696894, MedGen C3542922, MONDO:0013862, OMIM 614699.

Submission:

Baylor Genetics
Classification: Uncertain significance for Immunodeficiency, common variable, 7. Last evaluated: 2019-02-11. Review status: criteria provided, single submitter. Criteria: ACMG Guidelines, 2015. Collection method: clinical testing. Allele origin: maternal. Affected: yes.
Comment: This variant was determined to be of uncertain significance according to ACMG Guidelines, 2015 [PMID:25741868].

NM_001006658.3(CR2):c.2942A>T (p.Gln981Leu)

Gene: CR2 (complement C3d receptor 2; plus strand). Cytogenetic location: 1q32.2.
Variant type: single nucleotide variant.
Coding change: c.2942A>T on transcript NM_001006658.3 (MANE Select); coding-DNA position 2942, A replaced by T.
Protein change: p.Gln981Leu; replaces glutamine 981 with leucine.
Molecular consequence: missense variant.
Genome position (GRCh38, 1-based): chr1:207,477,924, A>T. VCF-style: chr1-207477924-A-T. GRCh37 (hg19) VCF-style: chr1-207651269-A-T.
Other names: c.2765A>T, p.Gln922Leu (NM_001877.5); short protein forms Q922L, Q981L.
Identifiers: ClinVar variation 1029998 (VCV001029998.1), dbSNP rs1658484718, ClinGen allele CA344541187.